The following is an entry in ClinVar:

ClinVar aggregate classification (germline): Conflicting classifications of pathogenicity. Review status: criteria provided, conflicting classifications (1 of 4 stars). 7 submissions from 7 submitters: Uncertain significance (1); Benign (3); Likely benign (2). 1 of the submissions does not count toward it. Last evaluated 2026-01-30.

Conditions:
Autosomal recessive nonsyndromic hearing loss 77. Identifiers: Orphanet 90636, MedGen C2746083, MONDO:0013119, OMIM 613079.

Allele frequency attached by ClinVar (database versions not stated): gnomAD exomes 0.00086; ExAC 0.00176; gnomAD 0.00389 and 0.00404; ESP Exome Variant Server 0.00394; TOPMed 0.00445; 1000 Genomes Project 0.00639; 1000 Genomes Project 30x 0.00687.
gnomAD v4.1: 1,171 of 1,551,722 alleles (0.075%); highest among the groups gnomAD compares: African/African-American, 1.4%; 8 homozygotes.

Submissions (7):

Labcorp Genetics (formerly Invitae), Labcorp
Classification: Benign. Last evaluated: 2026-01-30. Review status: criteria provided, single submitter. Criteria: Invitae Variant Classification Sherloc (09022015). Collection method: clinical testing. Allele origin: germline.

Blueprint Genetics
Classification: Likely benign. Last evaluated: 2024-08-28. Review status: criteria provided, single submitter. Criteria: ACMG Guidelines, 2015. Collection method: clinical testing. Allele origin: germline.

CeGaT Center for Human Genetics Tuebingen
Classification: Benign. Last evaluated: 2023-07-01. Review status: criteria provided, single submitter. Criteria: CeGaT Center For Human Genetics Tuebingen Variant Classification Criteria Version 2. Collection method: clinical testing. Allele origin: germline. Affected: yes. Observed: 1 variant allele.
Comment: LOXHD1: BP4, BS1, BS2

GeneDx
Classification: Likely benign. Last evaluated: 2018-04-09. Review status: criteria provided, single submitter. Criteria: GeneDx Variant Classification (06012015). Collection method: clinical testing. Allele origin: germline. Affected: yes.
Comment: This variant is considered likely benign or benign based on one or more of the following criteria: it is a conservative change, it occurs at a poorly conserved position in the protein, it is predicted to be benign by multiple in silico algorithms, and/or has population frequency not consistent with disease.

Illumina Laboratory Services, Illumina
Classification: Uncertain significance for Autosomal recessive nonsyndromic hearing loss 77. Last evaluated: 2018-01-12. Review status: criteria provided, single submitter. Criteria: ICSL Variant Classification Criteria 13 December 2019. Collection method: clinical testing. Allele origin: germline.

Laboratory for Molecular Medicine, Mass General Brigham Personalized Medicine
Classification: Benign. Last evaluated: 2012-12-10. Review status: criteria provided, single submitter. Criteria: LMM Criteria. Collection method: clinical testing. Allele origin: germline. Observed: 8 variant alleles.
Comment: Arg153Cys in exon 4 of LOXHD1: This variant is not expected to have clinical sig nificance because it has been identified in 1.3% (18/1384) of African American c hromosomes from a broad population by the NHLBI Exome Sequencing Project (dbSNP rs112618498)

Natera, Inc.
Classification: Benign for Autosomal recessive deafness type 77. Last evaluated: 2019-11-11. Review status: no assertion criteria provided. Collection method: clinical testing. Allele origin: germline. Not counted in ClinVar's aggregate classification.

NM_001384474.1(LOXHD1):c.457C>T (p.Arg153Cys)

Gene: LOXHD1 (lipoxygenase homology PLAT domains 1; minus strand). Cytogenetic location: 18q21.1.
Variant type: single nucleotide variant.
Coding change: c.457C>T on transcript NM_001384474.1 (MANE Select); coding-DNA position 457, C replaced by T.
Protein change: p.Arg153Cys; replaces arginine 153 with cysteine.
Molecular consequence: missense variant.
Genome position (GRCh38, 1-based): chr18:46,639,670, G>A on the plus strand (C>T on the coding strand, the complement: LOXHD1 is on the minus strand). VCF-style: chr18-46639670-G-A. GRCh37 (hg19) VCF-style: chr18-44219633-G-A.
Other names: c.457C>T, p.Arg153Cys (NM_144612.7); short protein forms R153C.
Identifiers: ClinVar variation 47938 (VCV000047938.46), dbSNP rs112618498, ClinGen allele CA142222.
Genomic context (GRCh38, chr18:46,639,670, plus strand): 5'-ACTGACCTCTGGGCATGTCCATGGGGTTGAAGCTGGCCAGCAGGTCACGGCACCACTGGC[G>A]GTCACCTTCCACCTTGCTCAGCCAGTTGTTGCAGTTGAAGTAGTAACGGAGATGAGGCCT-3'
Protein context (NP_001371403.1, residues 143-163): NNWLSKVEGD[Arg153Cys]QWCRDLLASF